The following is an entry in ClinVar:

NM_005188.4(CBL):c.2537C>T (p.Pro846Leu)

Gene: CBL (Cbl proto-oncogene; plus strand). Cytogenetic location: 11q23.3.
Variant type: single nucleotide variant.
Coding change: c.2537C>T on transcript NM_005188.4 (MANE Select); coding-DNA position 2537, C replaced by T.
Protein change: p.Pro846Leu; replaces proline 846 with leucine.
Molecular consequence: missense variant.
Genome position (GRCh38, 1-based): chr11:119,299,597, C>T. VCF-style: chr11-119299597-C-T. GRCh37 (hg19) VCF-style: chr11-119170307-C-T.
Other names: c.2537C>T (NM_005188.2); short protein forms P846L.
Identifiers: ClinVar variation 543997 (VCV000543997.10), dbSNP rs771831548, ClinGen allele CA6318807.
Genomic context (GRCh38, chr11:119,299,597, plus strand): 5'-CATTCCCGCGGAGAATCAACTCTGAACGGAAAGCTGGCAGCTGTCAGCAAGGTAGTGGTC[C>T]TGCCGCCTCTGCTGCCACCGCCTCACCTCAGCTCTCCAGTGAGATCGAGAACCTCATGAG-3'
Protein context (NP_005179.2, residues 836-856): KAGSCQQGSG[Pro846Leu]AASAATASPQ

ClinVar aggregate classification (germline): Uncertain significance. Review status: criteria provided, multiple submitters, no conflicts (2 of 4 stars). 3 submissions from 3 submitters: Uncertain significance (3). Last evaluated 2026-01-19.

Conditions:
Cardiovascular phenotype. Identifiers: MedGen CN230736.
RASopathy. Also called: Noonan spectrum disorder; rasopathies. Identifiers: Orphanet 536391, MedGen C5555857, MONDO:0021060.
CBL-related disorder. Also called: CBL MUTATION-ASSOCIATED SYNDROME; CBL SYNDROME; NOONAN SYNDROME-LIKE DISORDER WITHOUT JUVENILE MYELOMONOCYTIC LEUKEMIA. Identifiers: Orphanet 363972, MedGen C3150803, MONDO:0013308, OMIM 613563.

Allele frequency attached by ClinVar (database versions not stated): gnomAD exomes below 0.00001 and 0.00001; TOPMed 0.00001; ExAC 0.00002.
gnomAD v4.1: 8 of 1,614,188 alleles (0.0005%); highest among the groups gnomAD compares: African/African-American, 0.004%; 1 homozygote.

Submissions (3):

Labcorp Genetics (formerly Invitae), Labcorp
Classification: Uncertain significance for RASopathy. Last evaluated: 2026-01-19. Review status: criteria provided, single submitter. Criteria: Invitae Variant Classification Sherloc (09022015). Collection method: clinical testing. Allele origin: germline.
Comment: This sequence change replaces proline, which is neutral and non-polar, with leucine, which is neutral and non-polar, at codon 846 of the CBL protein (p.Pro846Leu). This variant is present in population databases (rs771831548, gnomAD 0.003%). This variant has not been reported in the literature in individuals affected with CBL-related conditions. ClinVar contains an entry for this variant (Variation ID: 543997). Invitae Evidence Modeling of protein sequence and biophysical properties (such as structural, functional, and spatial information, amino acid conservation, physicochemical variation, residue mobility, and thermodynamic stability) indicates that this missense variant is not expected to disrupt CBL protein function with a negative predictive value of 95%. In summary, the available evidence is currently insufficient to determine the role of this variant in disease. Therefore, it has been classified as a Variant of Uncertain Significance.

PreventionGenetics, part of Exact Sciences
Classification: Uncertain significance for CBL-related condition. Last evaluated: 2025-10-22. Review status: criteria provided, single submitter. Criteria: ACMG Guidelines, 2015. Collection method: clinical testing. Allele origin: germline.
Comment: The CBL c.2537C>T variant is predicted to result in the amino acid substitution p.Pro846Leu. To our knowledge, this variant has not been reported in the literature. This variant is reported in 0.0026% of alleles in individuals of European (Non-Finnish) descent in gnomAD. At this time, the clinical significance of this variant is uncertain due to the absence of conclusive functional and genetic evidence.

Ambry Genetics
Classification: Uncertain significance for Cardiovascular phenotype. Last evaluated: 2024-03-27. Review status: criteria provided, single submitter. Criteria: Ambry Variant Classification Scheme 2023. Collection method: clinical testing. Allele origin: germline.
Comment: The p.P846L variant (also known as c.2537C>T), located in coding exon 16 of the CBL gene, results from a C to T substitution at nucleotide position 2537. The proline at codon 846 is replaced by leucine, an amino acid with similar properties. This amino acid position is conserved. In addition, this alteration is predicted to be tolerated by in silico analysis. Based on the available evidence, the clinical significance of this alteration remains unclear.